The following is an entry in ClinVar:

NM_032608.7(MYO18B):c.825G>C (p.Glu275Asp)

Gene: MYO18B (myosin XVIIIB; plus strand). Cytogenetic location: 22q12.1.
Variant type: single nucleotide variant.
Coding change: c.825G>C on transcript NM_032608.7 (MANE Select); coding-DNA position 825, G replaced by C.
Protein change: p.Glu275Asp; replaces glutamic acid 275 with aspartic acid.
Molecular consequence: missense variant.
Genome position (GRCh38, 1-based): chr22:25,768,741, G>C. VCF-style: chr22-25768741-G-C. GRCh37 (hg19) VCF-style: chr22-26164708-G-C.
Other names: c.825G>C, p.Glu275Asp (NM_001318245.2); short protein forms E275D.
Identifiers: ClinVar variation 4777304 (VCV004777304.1).

ClinVar aggregate classification (germline): Uncertain significance (1 of 4 stars; one submission).

gnomAD v4.1: 2 of 1,602,226 alleles (0.00012%); highest among the groups gnomAD compares: Admixed American, 0.0017%; no homozygotes.

Submission:

Labcorp Genetics (formerly Invitae), Labcorp
Classification: Uncertain significance. Last evaluated: 2025-05-20. Review status: criteria provided, single submitter. Criteria: Invitae Variant Classification Sherloc (09022015). Collection method: clinical testing. Allele origin: germline.
Comment: This sequence change replaces glutamic acid, which is acidic and polar, with aspartic acid, which is acidic and polar, at codon 275 of the MYO18B protein (p.Glu275Asp). This variant is not present in population databases (gnomAD no frequency). This variant has not been reported in the literature in individuals affected with MYO18B-related conditions. An algorithm developed to predict the effect of missense changes on protein structure and function outputs the following: PolyPhen-2: "Benign". The aspartic acid amino acid residue is found in multiple mammalian species, which suggests that this missense change does not adversely affect protein function. In summary, the available evidence is currently insufficient to determine the role of this variant in disease. Therefore, it has been classified as a Variant of Uncertain Significance.